The following is an entry in ClinVar:

NM_024675.4(PALB2):c.140C>A (p.Ser47Tyr)

Gene: PALB2 (partner and localizer of BRCA2; minus strand). Cytogenetic location: 16p12.2.
Variant type: single nucleotide variant.
Coding change: c.140C>A on transcript NM_024675.4 (MANE Select); coding-DNA position 140, C replaced by A.
Protein change: p.Ser47Tyr; replaces serine 47 with tyrosine.
Molecular consequence: missense variant.
Genome position (GRCh38, 1-based): chr16:23,637,921, G>T on the plus strand (C>A on the coding strand, the complement: PALB2 is on the minus strand). VCF-style: chr16-23637921-G-T. GRCh37 (hg19) VCF-style: chr16-23649242-G-T.
Other names: short protein forms S47Y.
Identifiers: ClinVar variation 231887 (VCV000231887.10), dbSNP rs876659427, ClinGen allele CA10580052.

ClinVar aggregate classification (germline): Uncertain significance. Review status: criteria provided, multiple submitters, no conflicts (2 of 4 stars). 2 submissions from 2 submitters: Uncertain significance (2). Last evaluated 2025-06-07.

Conditions:
Hereditary cancer-predisposing syndrome. Also called: Neoplastic Syndromes, Hereditary; Tumor predisposition; Hereditary Cancer Syndrome; Hereditary neoplastic syndrome. Identifiers: Orphanet 140162, MedGen C0027672, MeSH D009386, MONDO:0015356.
Familial cancer of breast. Also called: BREAST CANCER, FAMILIAL; hereditary breast carcinoma; Hereditary breast cancer. Identifiers: Orphanet 227535, MedGen C0346153, MONDO:0016419, OMIM 114480. Disease mechanism: loss of function.

Submissions (2):

Ambry Genetics
Classification: Uncertain significance for Hereditary cancer-predisposing syndrome. Last evaluated: 2025-06-07. Review status: criteria provided, single submitter. Criteria: Ambry Variant Classification Scheme 2023. Collection method: clinical testing. Allele origin: germline.
Comment: The p.S47Y variant (also known as c.140C>A), located in coding exon 3 of the PALB2 gene, results from a C to A substitution at nucleotide position 140. The serine at codon 47 is replaced by tyrosine, an amino acid with dissimilar properties. This amino acid position is not well conserved in available vertebrate species. In addition, this alteration is predicted to be tolerated by in silico analysis. Since supporting evidence is limited at this time, the clinical significance of this alteration remains unclear.

Labcorp Genetics (formerly Invitae), Labcorp
Classification: Uncertain significance for Familial cancer of breast. Last evaluated: 2024-04-18. Review status: criteria provided, single submitter. Criteria: Invitae Variant Classification Sherloc (09022015). Collection method: clinical testing. Allele origin: germline.
Comment: This sequence change replaces serine, which is neutral and polar, with tyrosine, which is neutral and polar, at codon 47 of the PALB2 protein (p.Ser47Tyr). This variant is not present in population databases (gnomAD no frequency). This variant has not been reported in the literature in individuals affected with PALB2-related conditions. ClinVar contains an entry for this variant (Variation ID: 231887). Algorithms developed to predict the effect of missense changes on protein structure and function output the following: SIFT: "Not Available"; PolyPhen-2: "Benign"; Align-GVGD: "Not Available". The tyrosine amino acid residue is found in multiple mammalian species, which suggests that this missense change does not adversely affect protein function. In summary, the available evidence is currently insufficient to determine the role of this variant in disease. Therefore, it has been classified as a Variant of Uncertain Significance.